The following is an entry in ClinVar:

NM_002439.5(MSH3):c.2576dup (p.Asn861fs)

Gene: MSH3 (mutS homolog 3; plus strand). Cytogenetic location: 5q14.1.
Variant type: Duplication.
Coding change: c.2576dup on transcript NM_002439.5 (MANE Select); coding-DNA position 2576, one base duplicated (T; older notation c.2576dupT).
Protein change: p.Asn861fs; shifts the reading frame from asparagine 861.
Molecular consequence: frameshift variant.
Genome position (GRCh38, 1-based): chr5:80,792,765, T duplicated. VCF-style (leftmost placement, unchanged base first): chr5-80792764-A-AT. GRCh37 (hg19) VCF-style: chr5-80088583-A-AT.
Other names: short protein forms N861fs.
Identifiers: ClinVar variation 3639232 (VCV003639232.3).

ClinVar aggregate classification (germline): Pathogenic. Review status: criteria provided, multiple submitters, no conflicts (2 of 4 stars). 2 submissions from 2 submitters: Pathogenic (2). Last evaluated 2025-04-25.

Conditions:
Familial adenomatous polyposis 4 (FAP4). Also called: MSH3-related attenuated familial adenomatous polyposis. Identifiers: Orphanet 480536, MedGen C4310719, MONDO:0044300, OMIM 617100.

Submissions (2):

Myriad Genetics, Inc.
Classification: Pathogenic for Familial adenomatous polyposis 4. Last evaluated: 2025-04-25. Review status: criteria provided, single submitter. Criteria: Myriad Autosomal Dominant, Autosomal Recessive and X-Linked Classification Criteria (2023). Collection method: clinical testing. Allele origin: unknown.
Comment: This variant is considered pathogenic. This variant creates a frameshift predicted to result in premature protein truncation.

Labcorp Genetics (formerly Invitae), Labcorp
Classification: Pathogenic. Last evaluated: 2024-02-14. Review status: criteria provided, single submitter. Criteria: Invitae Variant Classification Sherloc (09022015). Collection method: clinical testing. Allele origin: germline.
Comment: This sequence change creates a premature translational stop signal (p.Asn861Lysfs*8) in the MSH3 gene. It is expected to result in an absent or disrupted protein product. Loss-of-function variants in MSH3 are known to be pathogenic (PMID: 27476653, 37402566). This variant is not present in population databases (gnomAD no frequency). This variant has not been reported in the literature in individuals affected with MSH3-related conditions. For these reasons, this variant has been classified as Pathogenic.

Literature cited by the submitters: PubMed 27476653 (cited by Labcorp Genetics (formerly Invitae), Labcorp); PubMed 37402566 (cited by Labcorp Genetics (formerly Invitae), Labcorp).